The following is an entry in ClinVar:

ClinVar aggregate classification (germline): Uncertain significance (1 of 4 stars; one submission).

Allele frequency attached by ClinVar (database versions not stated): gnomAD 0.00001; gnomAD exomes 0.00001; TOPMed 0.00002.
gnomAD v4.1: 17 of 1,571,030 alleles (0.0011%); highest among the groups gnomAD compares: South Asian, 0.0035%; no homozygotes.

Submission:

Labcorp Genetics (formerly Invitae), Labcorp
Classification: Uncertain significance. Last evaluated: 2022-01-28. Review status: criteria provided, single submitter. Criteria: Invitae Variant Classification Sherloc (09022015). Collection method: clinical testing. Allele origin: germline.
Comment: This sequence change replaces glutamic acid, which is acidic and polar, with lysine, which is basic and polar, at codon 1830 of the MYO7A protein (p.Glu1830Lys). The frequency data for this variant in the population databases is considered unreliable, as metrics indicate poor data quality at this position in the gnomAD database. This variant has not been reported in the literature in individuals affected with MYO7A-related conditions. Advanced modeling of protein sequence and biophysical properties (such as structural, functional, and spatial information, amino acid conservation, physicochemical variation, residue mobility, and thermodynamic stability) performed at Invitae indicates that this missense variant is expected to disrupt MYO7A protein function. In summary, the available evidence is currently insufficient to determine the role of this variant in disease. Therefore, it has been classified as a Variant of Uncertain Significance.

NM_000260.4(MYO7A):c.5488G>A (p.Glu1830Lys)

Gene: MYO7A (myosin VIIA; plus strand). Cytogenetic location: 11q13.5.
Variant type: single nucleotide variant.
Coding change: c.5488G>A on transcript NM_000260.4 (MANE Select); coding-DNA position 5488, G replaced by A.
Protein change: p.Glu1830Lys; replaces glutamic acid 1830 with lysine.
Molecular consequence: missense variant.
Genome position (GRCh38, 1-based): chr11:77,205,469, G>A. VCF-style: chr11-77205469-G-A. GRCh37 (hg19) VCF-style: chr11-76916514-G-A.
Other names: c.5374G>A, p.Glu1792Lys (NM_001127180.2); c.5341G>A, p.Glu1781Lys (NM_001369365.1); short protein forms E1792K, E1781K, E1830K.
Identifiers: ClinVar variation 2147445 (VCV002147445.1), dbSNP rs768418736, ClinGen allele CA6198730.
Genomic context (GRCh38, chr11:77,205,469, plus strand): 5'-CTGTGACTCCCGATGGCAGCTGCCCCTGCTGGAGCCCACGCCTCCTCCTGCAGGTACAGC[G>A]AGGAGCGGGGTTGGGAGCTGCTCTGGCTGTGCACGGGCCTTTTCCCACCCAGCAACATCC-3'
Protein context (NP_000251.3, residues 1820-1840): QLTDNHIRYS[Glu1830Lys]ERGWELLWLC